The following is an entry in ClinVar:

NM_007289.4(MME):c.1681C>T (p.Gln561Ter)

Gene: MME (membrane metalloendopeptidase; plus strand). Cytogenetic location: 3q25.2.
Variant type: single nucleotide variant.
Coding change: c.1681C>T on transcript NM_007289.4 (MANE Select); coding-DNA position 1681, C replaced by T.
Protein change: p.Gln561Ter; replaces glutamine 561 with a stop codon.
Molecular consequence: nonsense.
Genome position (GRCh38, 1-based): chr3:155,166,922, C>T. VCF-style: chr3-155166922-C-T. GRCh37 (hg19) VCF-style: chr3-154884711-C-T.
Other names: c.1681C>T, p.Gln561Ter (NM_000902.5, NM_001354642.2, NM_001354643.1 and 2 more transcripts); short protein forms Q561*.
Identifiers: ClinVar variation 3725948 (VCV003725948.2).

ClinVar aggregate classification (germline): Pathogenic (1 of 4 stars; one submission).

Submission:

Labcorp Genetics (formerly Invitae), Labcorp
Classification: Pathogenic. Last evaluated: 2024-11-24. Review status: criteria provided, single submitter. Criteria: Invitae Variant Classification Sherloc (09022015). Collection method: clinical testing. Allele origin: germline.
Comment: This sequence change creates a premature translational stop signal (p.Gln561*) in the MME gene. It is expected to result in an absent or disrupted protein product. Loss-of-function variants in MME are known to be pathogenic (PMID: 26991897). This variant is not present in population databases (gnomAD no frequency). This variant has not been reported in the literature in individuals affected with MME-related conditions. For these reasons, this variant has been classified as Pathogenic.

Literature cited by the submitters: PubMed 26991897.